The following is an entry in ClinVar:

NM_004329.3(BMPR1A):c.26G>C (p.Arg9Thr)

Gene: BMPR1A (bone morphogenetic protein receptor type 1A; plus strand). Cytogenetic location: 10q23.2.
Variant type: single nucleotide variant.
Coding change: c.26G>C on transcript NM_004329.3 (MANE Select); coding-DNA position 26, G replaced by C.
Protein change: p.Arg9Thr; replaces arginine 9 with threonine.
Molecular consequence: missense variant.
Genome position (GRCh38, 1-based): chr10:86,876,044, G>C. VCF-style: chr10-86876044-G-C. GRCh37 (hg19) VCF-style: chr10-88635801-G-C.
Other names: short protein forms R9T.
Identifiers: ClinVar variation 449879 (VCV000449879.8), dbSNP rs766269417, ClinGen allele CA5585406.

ClinVar aggregate classification (germline): Uncertain significance. Review status: criteria provided, multiple submitters, no conflicts (2 of 4 stars). 4 submissions from 4 submitters: Uncertain significance (4). Last evaluated 2025-01-11.

Conditions:
Hereditary cancer-predisposing syndrome. Also called: Tumor predisposition; Hereditary Cancer Syndrome; Neoplastic Syndromes, Hereditary; Hereditary neoplastic syndrome. Identifiers: Orphanet 140162, MedGen C0027672, MeSH D009386, MONDO:0015356.
Juvenile polyposis syndrome (JPS). Identifiers: Orphanet 2929, MedGen C0345893, MONDO:0017380, OMIM 174900.
Polyposis syndrome, hereditary mixed, 2. Identifiers: Orphanet 157794, MedGen C1864730, MONDO:0012405, OMIM 610069.

Allele frequency attached by ClinVar (database versions not stated): gnomAD exomes below 0.00001; ExAC 0.00001.

Submissions (4):

Labcorp Genetics (formerly Invitae), Labcorp
Classification: Uncertain significance for Juvenile polyposis syndrome. Last evaluated: 2025-01-11. Review status: criteria provided, single submitter. Criteria: Invitae Variant Classification Sherloc (09022015). Collection method: clinical testing. Allele origin: germline.
Comment: This sequence change replaces arginine, which is basic and polar, with threonine, which is neutral and polar, at codon 9 of the BMPR1A protein (p.Arg9Thr). This variant is present in population databases (rs766269417, gnomAD 0.0009%). This variant has not been reported in the literature in individuals affected with BMPR1A-related conditions. ClinVar contains an entry for this variant (Variation ID: 449879). Invitae Evidence Modeling of protein sequence and biophysical properties (such as structural, functional, and spatial information, amino acid conservation, physicochemical variation, residue mobility, and thermodynamic stability) indicates that this missense variant is not expected to disrupt BMPR1A protein function with a negative predictive value of 95%. In summary, the available evidence is currently insufficient to determine the role of this variant in disease. Therefore, it has been classified as a Variant of Uncertain Significance.

Baylor Genetics
Classification: Uncertain significance for Polyposis syndrome, hereditary mixed, 2. Last evaluated: 2023-12-02. Review status: criteria provided, single submitter. Criteria: ACMG Guidelines, 2015. Collection method: clinical testing. Allele origin: unknown.

Ambry Genetics
Classification: Uncertain significance for Hereditary cancer-predisposing syndrome. Last evaluated: 2022-06-03. Review status: criteria provided, single submitter. Criteria: Ambry Variant Classification Scheme 2023. Collection method: clinical testing. Allele origin: germline.
Comment: The p.R9T variant (also known as c.26G>C), located in coding exon 1 of the BMPR1A gene, results from a G to C substitution at nucleotide position 26. The arginine at codon 9 is replaced by threonine, an amino acid with similar properties. This amino acid position is conserved. In addition, this alteration is predicted to be tolerated by in silico analysis. Since supporting evidence is limited at this time, the clinical significance of this alteration remains unclear.

GeneDx
Classification: Uncertain significance. Last evaluated: 2017-03-16. Review status: criteria provided, single submitter. Criteria: GeneDx Variant Classification (06012015). Collection method: clinical testing. Allele origin: germline. Affected: yes.
Comment: This variant is denoted BMPR1A c.26G>C at the cDNA level, p.Arg9Thr (R9T) at the protein level, and results in the change of an Arginine to a Threonine (AGA>ACA). This variant has not, to our knowledge, been published in the literature as pathogenic or benign. BMPR1A Arg9Thr was not observed in large population cohorts (NHLBI Exome Sequencing Project, The 1000 Genomes Consortium 2015, Lek 2016). Since Arginine and Threonine differ in some properties, this is considered a semi-conservative amino acid substitution. BMPR1A Arg9Thr occurs at a position that is not conserved and is located within the signal peptide domain (Howe 2004). In silico analyses are inconsistent regarding the effect this variant may have on protein structure and function. Based on currently available evidence, it is unclear whether BMPR1A Arg9Thr is a pathogenic or benign variant. We consider it to be a variant of uncertain significance.